The following is an entry in ClinVar:

ClinVar aggregate classification (germline): Pathogenic/Likely pathogenic. Review status: criteria provided, multiple submitters, no conflicts (2 of 4 stars). 2 submissions from 2 submitters: Pathogenic (1); Likely pathogenic (1). Last evaluated 2022-04-14.

Conditions:
Cardiovascular phenotype. Identifiers: MedGen CN230736.

Submissions (2):

Labcorp Genetics (formerly Invitae), Labcorp
Classification: Pathogenic. Last evaluated: 2022-04-14. Review status: criteria provided, single submitter. Criteria: Invitae Variant Classification Sherloc (09022015). Collection method: clinical testing. Allele origin: germline.
Comment: For these reasons, this variant has been classified as Pathogenic. This variant has not been reported in the literature in individuals affected with ALPK3-related conditions. This variant is present in population databases (rs750622312, gnomAD 0.0009%). This sequence change creates a premature translational stop signal (p.Gln433Glyfs*10) in the ALPK3 gene. It is expected to result in an absent or disrupted protein product. Loss-of-function variants in ALPK3 are known to be pathogenic (PMID: 21441111, 26846950, 27106955, 34263907).

Ambry Genetics
Classification: Likely pathogenic for Cardiovascular phenotype. Last evaluated: 2020-05-27. Review status: criteria provided, single submitter. Criteria: Ambry Variant Classification Scheme 2023. Collection method: clinical testing. Allele origin: germline.
Comment: The c.1296_1303delTCAAGCGC variant, located in coding exon 5 of the ALPK3 gene, results from a deletion of 8 nucleotides at nucleotide positions 1296 to 1303, causing a translational frameshift with a predicted alternate stop codon (p.Q433Gfs*10). This alteration is expected to result in loss of function by premature protein truncation or nonsense-mediated mRNA decay. Based on the majority of available evidence to date, this variant is likely to be pathogenic.

Literature cited by the submitters: PubMed 21441111 (cited by Labcorp Genetics (formerly Invitae), Labcorp); PubMed 26846950 (cited by Labcorp Genetics (formerly Invitae), Labcorp); PubMed 27106955 (cited by Labcorp Genetics (formerly Invitae), Labcorp); PubMed 34263907 (cited by Labcorp Genetics (formerly Invitae), Labcorp).

NM_020778.5(ALPK3):c.690_697del (p.Gln231fs)

Gene: ALPK3 (alpha kinase 3; plus strand). Cytogenetic location: 15q25.3.
Variant type: Deletion.
Coding change: c.690_697del on transcript NM_020778.5 (MANE Select); coding-DNA positions 690 to 697, 8 bases deleted (TCAAGCGC; older notation c.690_697delTCAAGCGC).
Protein change: p.Gln231fs; shifts the reading frame from glutamine 231.
Molecular consequence: frameshift variant.
Genome position (GRCh38, 1-based): chr15:84,839,969-84,839,976, TCAAGCGC deleted; deleting any 8 consecutive bases within chr15:84,839,967-84,839,976 gives the same sequence; the c. name uses the placement nearest the transcript's 3' end. VCF-style (leftmost placement, unchanged base first): chr15-84839966-GGCTCAAGC-G. GRCh37 (hg19) VCF-style: chr15-85383197-GGCTCAAGC-G.
Other names: short protein forms Q231fs.
Identifiers: ClinVar variation 1769205 (VCV001769205.7), dbSNP rs750622312, ClinGen allele CA7709043.